The following is an entry in ClinVar:

ClinVar aggregate classification (germline): Likely benign (1 of 4 stars; one submission).

Submission:

CeGaT Center for Human Genetics Tuebingen
Classification: Likely benign. Last evaluated: 2023-06-01. Review status: criteria provided, single submitter. Criteria: CeGaT Center For Human Genetics Tuebingen Variant Classification Criteria Version 2. Collection method: clinical testing. Allele origin: germline. Affected: yes. Observed: 1 variant allele.
Comment: DICER1: PM2:Supporting, BP4, BP7

NM_177438.3(DICER1):c.2277T>C (p.Asp759=)

Gene: DICER1 (dicer 1, ribonuclease III; minus strand). Cytogenetic location: 14q32.13.
Variant type: single nucleotide variant.
Coding change: c.2277T>C on transcript NM_177438.3 (MANE Select); coding-DNA position 2277, T replaced by C.
Protein change: p.Asp759=; no amino-acid change (aspartic acid 759 retained).
Molecular consequence: synonymous variant. On other transcripts: non-coding transcript variant (6).
Genome position (GRCh38, 1-based): chr14:95,108,483, A>G on the plus strand (T>C on the coding strand, the complement: DICER1 is on the minus strand). VCF-style: chr14-95108483-A-G. GRCh37 (hg19) VCF-style: chr14-95574820-A-G.
Other names: c.2277T>C, p.Asp759= (NM_001195573.1, NM_001271282.3, NM_001291628.2 and 13 more transcripts); c.1995T>C, p.Asp665= (NM_001395686.1); c.1872T>C, p.Asp624= (NM_001395687.1, NM_001395688.1, NM_001395689.1 and 2 more transcripts); c.1710T>C, p.Asp570= (NM_001395691.1); c.594T>C, p.Asp198= (NM_001395697.1).
Identifiers: ClinVar variation 2644490 (VCV002644490.24), dbSNP rs2542857573, ClinGen allele CA487628468.